The following is an entry in ClinVar:

ClinVar aggregate classification (germline): Uncertain significance (1 of 4 stars; one submission).

Conditions:
3-Methylglutaconic aciduria type 2 (BTHS). Also called: Barth syndrome; CARDIOSKELETAL MYOPATHY WITH NEUTROPENIA AND ABNORMAL MITOCHONDRIA. Identifiers: Orphanet 111, MedGen C0574083, MONDO:0010543, OMIM 302060.

Allele frequency attached by ClinVar (database versions not stated): gnomAD exomes below 0.00001; gnomAD 0.00001.
gnomAD v4.1: 4 of 1,209,131 alleles (0.00033%); highest among the groups gnomAD compares: Non-Finnish European, 0.00045%; no homozygotes.

Submission:

Labcorp Genetics (formerly Invitae), Labcorp
Classification: Uncertain significance for 3-Methylglutaconic aciduria type 2. Last evaluated: 2024-03-27. Review status: criteria provided, single submitter. Criteria: Invitae Variant Classification Sherloc (09022015). Collection method: clinical testing. Allele origin: germline.
Comment: This sequence change replaces alanine, which is neutral and non-polar, with valine, which is neutral and non-polar, at codon 259 of the TAZ protein (p.Ala259Val). This variant is present in population databases (no rsID available, gnomAD 0.01%). This variant has not been reported in the literature in individuals affected with TAZ-related conditions. An algorithm developed to predict the effect of missense changes on protein structure and function (PolyPhen-2) suggests that this variant is likely to be tolerated. In summary, the available evidence is currently insufficient to determine the role of this variant in disease. Therefore, it has been classified as a Variant of Uncertain Significance.

NM_000116.5(TAFAZZIN):c.776C>T (p.Ala259Val)

Gene: TAFAZZIN (tafazzin, phospholipid-lysophospholipid transacylase; plus strand). Cytogenetic location: Xq28.
Variant type: single nucleotide variant.
Coding change: c.776C>T on transcript NM_000116.5 (MANE Select); coding-DNA position 776, C replaced by T.
Protein change: p.Ala259Val; replaces alanine 259 with valine.
Molecular consequence: missense variant. On other transcripts: non-coding transcript variant (1).
Genome position (GRCh38, 1-based): chrX:154,420,734, C>T. VCF-style: chrX-154420734-C-T. GRCh37 (hg19) VCF-style: chrX-153649073-C-T.
Other names: c.788C>T, p.Ala263Val (NM_001303465.2); c.740C>T, p.Ala247Val (NM_001410698.1); c.686C>T, p.Ala229Val (NM_181311.4); c.734C>T, p.Ala245Val (NM_181312.4); c.644C>T, p.Ala215Val (NM_181313.4); short protein forms A229V, A245V, A259V, A263V, A215V, A247V.
Identifiers: ClinVar variation 2877852 (VCV002877852.3), dbSNP rs1557194416, ClinGen allele CA415185537.